The following is an entry in ClinVar:

ClinVar aggregate classification (germline): Uncertain significance (1 of 4 stars; one submission).

gnomAD v4.1: 15 of 1,613,994 alleles (0.00093%); highest among the groups gnomAD compares: East Asian, 0.0022%; no homozygotes.

Submission:

Labcorp Genetics (formerly Invitae), Labcorp
Classification: Uncertain significance. Last evaluated: 2024-10-11. Review status: criteria provided, single submitter. Criteria: Invitae Variant Classification Sherloc (09022015). Collection method: clinical testing. Allele origin: germline.
Comment: This sequence change replaces isoleucine, which is neutral and non-polar, with threonine, which is neutral and polar, at codon 240 of the TBX18 protein (p.Ile240Thr). This variant is present in population databases (rs376530878, gnomAD 0.003%). This variant has not been reported in the literature in individuals affected with TBX18-related conditions. Invitae Evidence Modeling of protein sequence and biophysical properties (such as structural, functional, and spatial information, amino acid conservation, physicochemical variation, residue mobility, and thermodynamic stability) indicates that this missense variant is expected to disrupt TBX18 protein function with a positive predictive value of 80%. In summary, the available evidence is currently insufficient to determine the role of this variant in disease. Therefore, it has been classified as a Variant of Uncertain Significance.

NM_001080508.3(TBX18):c.719T>C (p.Ile240Thr)

Gene: TBX18 (T-box transcription factor 18; minus strand). Cytogenetic location: 6q14.3.
Variant type: single nucleotide variant.
Coding change: c.719T>C on transcript NM_001080508.3 (MANE Select); coding-DNA position 719, T replaced by C.
Protein change: p.Ile240Thr; replaces isoleucine 240 with threonine.
Molecular consequence: missense variant.
Genome position (GRCh38, 1-based): chr6:84,756,750, A>G on the plus strand (T>C on the coding strand, the complement: TBX18 is on the minus strand). VCF-style: chr6-84756750-A-G. GRCh37 (hg19) VCF-style: chr6-85466468-A-G.
Other names: short protein forms I240T.
Identifiers: ClinVar variation 3611954 (VCV003611954.2).